The following is an entry in ClinVar:

NM_030662.4(MAP2K2):c.335G>A (p.Arg112Gln)

Gene: MAP2K2 (mitogen-activated protein kinase kinase 2; minus strand). Cytogenetic location: 19p13.3.
Variant type: single nucleotide variant.
Coding change: c.335G>A on transcript NM_030662.4 (MANE Select); coding-DNA position 335, G replaced by A.
Protein change: p.Arg112Gln; replaces arginine 112 with glutamine.
Molecular consequence: missense variant.
Genome position (GRCh38, 1-based): chr19:4,110,624, C>T on the plus strand (G>A on the coding strand, the complement: MAP2K2 is on the minus strand). VCF-style: chr19-4110624-C-T. GRCh37 (hg19) VCF-style: chr19-4110622-C-T.
Other names: short protein forms R112Q.
Identifiers: ClinVar variation 2055907 (VCV002055907.5), dbSNP rs2041142587, ClinGen allele CA403391693.

ClinVar aggregate classification (germline): Conflicting classifications of pathogenicity. Review status: criteria provided, conflicting classifications (1 of 4 stars). 2 submissions from 2 submitters: Likely pathogenic (1); Uncertain significance (1). Last evaluated 2025-07-29.

Conditions:
Cardiofaciocutaneous syndrome 4 (CFC4). Also called: MAP2K2-Related Cardiofaciocutaneous Syndrome. Identifiers: Orphanet 1340, MedGen C3809007, MONDO:0014114, OMIM 615280.
RASopathy. Also called: rasopathies; Noonan spectrum disorder. Identifiers: Orphanet 536391, MedGen C5555857, MONDO:0021060.

Allele frequency attached by ClinVar (database versions not stated): gnomAD exomes below 0.00001.

Submissions (2):

Labcorp Genetics (formerly Invitae), Labcorp
Classification: Likely pathogenic for RASopathy. Last evaluated: 2025-07-29. Review status: criteria provided, single submitter. Criteria: Invitae Variant Classification Sherloc (09022015). Collection method: clinical testing. Allele origin: germline.
Comment: This sequence change replaces arginine, which is basic and polar, with glutamine, which is neutral and polar, at codon 112 of the MAP2K2 protein (p.Arg112Gln). This variant is not present in population databases (gnomAD no frequency). This variant has not been reported in the literature in individuals affected with MAP2K2-related conditions. ClinVar contains an entry for this variant (Variation ID: 2055907). Invitae Evidence Modeling of protein sequence and biophysical properties (such as structural, functional, and spatial information, amino acid conservation, physicochemical variation, residue mobility, and thermodynamic stability) has been performed for this missense variant. However, the output from this modeling did not meet the statistical confidence thresholds required to predict the impact of this variant on MAP2K2 protein function. This variant disrupts the p.Arg112 amino acid residue in MAP2K2. Other variant(s) that disrupt this residue have been determined to be pathogenic (internal data). This suggests that this residue is clinically significant, and that variants that disrupt this residue are likely to be disease-causing. In summary, the currently available evidence indicates that the variant is pathogenic, but additional data are needed to prove that conclusively. Therefore, this variant has been classified as Likely Pathogenic.

Fulgent Genetics
Classification: Uncertain significance for Cardiofaciocutaneous syndrome 4. Last evaluated: 2024-01-30. Review status: criteria provided, single submitter. Criteria: ACMG Guidelines, 2015. Collection method: clinical testing. Allele origin: germline.